The following is an entry in ClinVar:

ClinVar aggregate classification (germline): Uncertain significance (1 of 4 stars; one submission).

Allele frequency attached by ClinVar (database versions not stated): gnomAD exomes below 0.00001; TOPMed below 0.00001; ExAC 0.00001.

Submission:

Labcorp Genetics (formerly Invitae), Labcorp
Classification: Uncertain significance. Last evaluated: 2023-03-22. Review status: criteria provided, single submitter. Criteria: Invitae Variant Classification Sherloc (09022015). Collection method: clinical testing. Allele origin: germline.
Comment: In summary, the available evidence is currently insufficient to determine the role of this variant in disease. Therefore, it has been classified as a Variant of Uncertain Significance. This sequence change replaces serine, which is neutral and polar, with phenylalanine, which is neutral and non-polar, at codon 623 of the EEF2 protein (p.Ser623Phe). This variant is present in population databases (rs750648849, gnomAD 0.003%). This variant has not been reported in the literature in individuals affected with EEF2-related conditions. Advanced modeling of protein sequence and biophysical properties (such as structural, functional, and spatial information, amino acid conservation, physicochemical variation, residue mobility, and thermodynamic stability) performed at Invitae indicates that this missense variant is not expected to disrupt EEF2 protein function.

NM_001961.4(EEF2):c.1868C>T (p.Ser623Phe)

Gene: EEF2 (eukaryotic translation elongation factor 2; minus strand). Cytogenetic location: 19p13.3.
Variant type: single nucleotide variant.
Coding change: c.1868C>T on transcript NM_001961.4 (MANE Select); coding-DNA position 1868, C replaced by T.
Protein change: p.Ser623Phe; replaces serine 623 with phenylalanine.
Molecular consequence: missense variant.
Genome position (GRCh38, 1-based): chr19:3,978,018, G>A on the plus strand (C>T on the coding strand, the complement: EEF2 is on the minus strand). VCF-style: chr19-3978018-G-A. GRCh37 (hg19) VCF-style: chr19-3978016-G-A.
Other names: short protein forms S623F.
Identifiers: ClinVar variation 2901147 (VCV002901147.3), dbSNP rs750648849, ClinGen allele CA9088744.